The following is an entry in ClinVar:

ClinVar aggregate classification (germline): Likely benign. Review status: criteria provided, multiple submitters, no conflicts (2 of 4 stars). 5 submissions from 5 submitters: Likely benign (4). 1 of the submissions does not count toward it. Last evaluated 2026-01-24.

Conditions:
ABL1-related disorder. Also called: ABL1-related condition.

Allele frequency attached by ClinVar (database versions not stated): gnomAD 0.00011 and 0.00013; TOPMed 0.00016; ESP Exome Variant Server 0.00023; gnomAD exomes 0.00023 and 0.00024; 1000 Genomes Project 30x 0.00031; ExAC 0.00034; 1000 Genomes Project 0.00040.

Submissions (5):

Labcorp Genetics (formerly Invitae), Labcorp
Classification: Likely benign. Last evaluated: 2026-01-24. Review status: criteria provided, single submitter. Criteria: Invitae Variant Classification Sherloc (09022015). Collection method: clinical testing. Allele origin: germline.

CeGaT Center for Human Genetics Tuebingen
Classification: Likely benign. Last evaluated: 2025-11-01. Review status: criteria provided, single submitter. Criteria: CeGaT Center For Human Genetics Tuebingen Variant Classification Criteria Version 2. Collection method: clinical testing. Allele origin: germline. Affected: yes. Observed: 1 variant allele.
Comment: ABL1: BP4, BP7

Blueprint Genetics
Classification: Likely benign. Last evaluated: 2024-11-21. Review status: criteria provided, single submitter. Criteria: ACMG Guidelines, 2015. Collection method: clinical testing. Allele origin: germline.

Breakthrough Genomics
Classification: Likely benign. Review status: criteria provided, single submitter. Criteria: ACMG Guidelines, 2015. Collection method: not provided. Allele origin: germline. Inheritance: Autosomal dominant inheritance. Affected: yes.

PreventionGenetics, part of Exact Sciences
Classification: Likely benign for ABL1-related condition. Last evaluated: 2019-02-28. Review status: no assertion criteria provided. Collection method: clinical testing. Allele origin: germline. Not counted in ClinVar's aggregate classification.
Comment: This variant is classified as likely benign based on ACMG/AMP sequence variant interpretation guidelines (Richards et al. 2015 PMID: 25741868, with internal and published modifications).

NM_005157.6(ABL1):c.2301A>G (p.Ala767=)

Gene: ABL1 (ABL proto-oncogene 1, non-receptor tyrosine kinase; plus strand). Cytogenetic location: 9q34.12.
Variant type: single nucleotide variant.
Coding change: c.2301A>G on transcript NM_005157.6 (MANE Select); coding-DNA position 2301, A replaced by G.
Protein change: p.Ala767=; no amino-acid change (alanine 767 retained).
Molecular consequence: synonymous variant.
Genome position (GRCh38, 1-based): chr9:130,884,591, A>G. VCF-style: chr9-130884591-A-G. GRCh37 (hg19) VCF-style: chr9-133759978-A-G.
Other names: c.2358A>G, p.Ala786= (NM_007313.3); c.2358A>G (NM_007313.2).
Identifiers: ClinVar variation 1593849 (VCV001593849.18), dbSNP rs138216232, ClinGen allele CA5285667.